The following is an entry in ClinVar:

NM_018896.5(CACNA1G):c.1471G>A (p.Val491Ile)

Gene: CACNA1G (calcium voltage-gated channel subunit alpha1 G; plus strand). Cytogenetic location: 17q21.33.
Variant type: single nucleotide variant.
Coding change: c.1471G>A on transcript NM_018896.5 (MANE Select); coding-DNA position 1471, G replaced by A.
Protein change: p.Val491Ile; replaces valine 491 with isoleucine.
Molecular consequence: missense variant. On other transcripts: non-coding transcript variant (5).
Genome position (GRCh38, 1-based): chr17:50,575,873, G>A. VCF-style: chr17-50575873-G-A. GRCh37 (hg19) VCF-style: chr17-48653234-G-A.
Other names: c.1471G>A, p.Val491Ile (NM_001256324.2, NM_001256325.2, NM_001256326.2 and 24 more transcripts); c.1471G>A (NM_018896.3); short protein forms V491I.
Identifiers: ClinVar variation 2167343 (VCV002167343.7), dbSNP rs201788352, ClinGen allele CA8652183.

ClinVar aggregate classification (germline): Conflicting classifications of pathogenicity. Review status: criteria provided, conflicting classifications (1 of 4 stars). 3 submissions from 3 submitters: Uncertain significance (2); Likely benign (1). Last evaluated 2026-01-22.

Conditions:
Spinocerebellar ataxia 42, early-onset, severe, with neurodevelopmental deficits. Identifiers: MedGen C4748120, MONDO:0060758, OMIM 618087.
Inborn genetic diseases. Identifiers: MedGen C0950123, MeSH D030342.

Allele frequency attached by ClinVar (database versions not stated): gnomAD 0.00016; TOPMed 0.00016; ESP Exome Variant Server 0.00032; ExAC 0.00062.
gnomAD v4.1: 267 of 1,553,122 alleles (0.017%); highest among the groups gnomAD compares: Non-Finnish European, 0.021%; 1 homozygote.

Submissions (3):

Dasa
Classification: Uncertain significance for Spinocerebellar ataxia 42, early-onset, severe, with neurodevelopmental deficits. Last evaluated: 2026-01-22. Review status: criteria provided, single submitter. Criteria: DASA Assertion Criteria. Collection method: clinical testing. Allele origin: germline.
Comment: NM_018896.5(CACNA1G):c.1471G>A (p.Val491Ile) is a missense variant that results in the substitution of valine with isoleucine. This variant is rare in population databases. The currently available literature and clinical evidence are not sufficient to establish a definitive association between this variant and the reported condition. Therefore, this variant is classified as a variant of uncertain significance.

Labcorp Genetics (formerly Invitae), Labcorp
Classification: Uncertain significance. Last evaluated: 2024-10-23. Review status: criteria provided, single submitter. Criteria: Invitae Variant Classification Sherloc (09022015). Collection method: clinical testing. Allele origin: germline.
Comment: This sequence change replaces valine, which is neutral and non-polar, with isoleucine, which is neutral and non-polar, at codon 491 of the CACNA1G protein (p.Val491Ile). The frequency data for this variant in the population databases is considered unreliable, as metrics indicate poor data quality at this position in the gnomAD database. This variant has not been reported in the literature in individuals affected with CACNA1G-related conditions. ClinVar contains an entry for this variant (Variation ID: 2167343). Invitae Evidence Modeling of protein sequence and biophysical properties (such as structural, functional, and spatial information, amino acid conservation, physicochemical variation, residue mobility, and thermodynamic stability) indicates that this missense variant is not expected to disrupt CACNA1G protein function with a negative predictive value of 95%. In summary, the available evidence is currently insufficient to determine the role of this variant in disease. Therefore, it has been classified as a Variant of Uncertain Significance.

Ambry Genetics
Classification: Likely benign for Inborn genetic diseases. Last evaluated: 2022-12-15. Review status: criteria provided, single submitter. Criteria: Ambry Variant Classification Scheme 2023. Collection method: clinical testing. Allele origin: germline.